The following is an entry in ClinVar:

NM_198253.3(TERT):c.1573+2T>A

Gene: TERT (telomerase reverse transcriptase; minus strand). Cytogenetic location: 5p15.33.
Variant type: single nucleotide variant.
Coding change: c.1573+2T>A on transcript NM_198253.3 (MANE Select); the canonical splice donor site of the intron after coding-DNA position 1573, T replaced by A.
Molecular consequence: splice donor variant.
Genome position (GRCh38, 1-based): chr5:1,293,311, A>T on the plus strand (T>A on the coding strand, the complement: TERT is on the minus strand). VCF-style: chr5-1293311-A-T. GRCh37 (hg19) VCF-style: chr5-1293426-A-T.
Other names: c.1573+2T>A (NM_001193376.3).
Identifiers: ClinVar variation 2923298 (VCV002923298.3), dbSNP rs2478407432, ClinGen allele CA359084992.

ClinVar aggregate classification (germline): Likely pathogenic (1 of 4 stars; one submission).

Conditions:
Dyskeratosis congenita, autosomal dominant 2. Identifiers: MedGen C3151443, MONDO:0013521, OMIM 613989.
Idiopathic Pulmonary Fibrosis. Also called: Idiopathic fibrosing alveolitis, chronic form; idiopathic fibrosing alveolitis. Identifiers: Orphanet 2032, MedGen C1800706, MeSH D054990, MONDO:0800504.

Submission:

Labcorp Genetics (formerly Invitae), Labcorp
Classification: Likely pathogenic for Dyskeratosis congenita, autosomal dominant 2; Idiopathic Pulmonary Fibrosis. Last evaluated: 2023-04-30. Review status: criteria provided, single submitter. Criteria: Invitae Variant Classification Sherloc (09022015). Collection method: clinical testing. Allele origin: germline.
Comment: In summary, the currently available evidence indicates that the variant is pathogenic, but additional data are needed to prove that conclusively. Therefore, this variant has been classified as Likely Pathogenic. Algorithms developed to predict the effect of sequence changes on RNA splicing suggest that this variant may disrupt the consensus splice site. This variant has not been reported in the literature in individuals affected with TERT-related conditions. This variant is not present in population databases (gnomAD no frequency). This sequence change affects a donor splice site in intron 2 of the TERT gene. It is expected to disrupt RNA splicing. Variants that disrupt the donor or acceptor splice site typically lead to a loss of protein function (PMID: 16199547), and loss-of-function variants in TERT are known to be pathogenic (PMID: 16247010, 17460043).

Literature cited by the submitters: PubMed 16199547; PubMed 16247010; PubMed 17460043.